The following is an entry in ClinVar:

ClinVar aggregate classification (germline): Conflicting classifications of pathogenicity. Review status: criteria provided, conflicting classifications (1 of 4 stars). 8 submissions from 8 submitters: Uncertain significance (7); Benign (1). Last evaluated 2025-10-31.

Conditions:
BRCA1-related cancer predisposition. Identifiers: MedGen CN377757, MONDO:0700268.
Hereditary cancer-predisposing syndrome. Also called: Neoplastic Syndromes, Hereditary; Tumor predisposition; Hereditary Cancer Syndrome; Hereditary neoplastic syndrome. Identifiers: Orphanet 140162, MedGen C0027672, MeSH D009386, MONDO:0015356.
Hereditary breast ovarian cancer syndrome. Also called: Breast and ovarian cancer; Hereditary breast and ovarian cancer; Hereditary breast and/or ovarian cancer syndrome; BRCA1- and BRCA2-Associated Hereditary Breast and Ovarian Cancer; Hereditary breast and ovarian cancer syndrome; Hereditary breast and ovarian cancer syndrome (HBOC). Identifiers: Orphanet 145, MedGen C0677776, MeSH D061325, MONDO:0003582. Disease mechanism: loss of function.

Allele frequency attached by ClinVar (database versions not stated): gnomAD exomes 0.00001.
gnomAD v4.1: 5 of 1,614,180 alleles (0.00031%); highest among the groups gnomAD compares: South Asian, 0.0033%; no homozygotes.

Submissions (8):

Labcorp Genetics (formerly Invitae), Labcorp
Classification: Benign for Hereditary breast ovarian cancer syndrome. Last evaluated: 2025-10-31. Review status: criteria provided, single submitter. Criteria: Invitae Variant Classification Sherloc (09022015). Collection method: clinical testing. Allele origin: germline.

Ambry Genetics
Classification: Uncertain significance for Hereditary cancer-predisposing syndrome. Last evaluated: 2025-05-03. Review status: criteria provided, single submitter. Criteria: Ambry Variant Classification Scheme 2023. Collection method: clinical testing. Allele origin: germline.
Comment: The p.T1620A variant (also known as c.4858A>G), located in coding exon 14 of the BRCA1 gene, results from an A to G substitution at nucleotide position 4858. The threonine at codon 1620 is replaced by alanine, an amino acid with similar properties. This amino acid position is not well conserved in available vertebrate species. In addition, the in silico prediction for this alteration is inconclusive. Since supporting evidence is limited at this time, the clinical significance of this alteration remains unclear.

GeneDx
Classification: Uncertain significance. Last evaluated: 2024-08-23. Review status: criteria provided, single submitter. Criteria: GeneDx Variant Classification Process June 2021. Collection method: clinical testing. Allele origin: germline. Affected: yes.
Comment: Not observed at significant frequency in large population cohorts (gnomAD); In silico analysis indicates that this missense variant does not alter protein structure/function; Has not been previously published as pathogenic or benign to our knowledge; Also known as 4977A>G; This variant is associated with the following publications: (PMID: 11301010, 9974970, 10220405)

All of Us Research Program, National Institutes of Health
Classification: Uncertain significance for BRCA1-related cancer predisposition. Last evaluated: 2024-05-14. Review status: criteria provided, single submitter. Criteria: ACMG Guidelines, 2015. Collection method: clinical testing. Allele origin: germline. Inheritance: Autosomal dominant inheritance. Observed: 2 variant alleles, 2 heterozygotes.
Comment: This missense variant replaces threonine with alanine at codon 1620 of the BRCA1 protein. Computational prediction is inconclusive regarding the impact of this variant on protein structure and function (internally defined REVEL score threshold 0.5 < inconclusive < 0.7, PMID: 27666373). To our knowledge, functional studies have not been reported for this variant. This variant has not been reported in individuals affected with BRCA1-related disorders in the literature. This variant has been identified in 2/251396 chromosomes in the general population by the Genome Aggregation Database (gnomAD). The available evidence is insufficient to determine the role of this variant in disease conclusively. Therefore, this variant is classified as a Variant of Uncertain Significance.

This study involves interpretation of variants in research participants for the purpose of population health screening. Participant phenotype was not available at the time of variant classification. Additional details can be found in publication PMID: 35346344, PMCID: PMC8962531

Department of Pathology and Laboratory Medicine, Sinai Health System
Classification: Uncertain significance for Hereditary breast ovarian cancer syndrome. Last evaluated: 2023-08-29. Review status: criteria provided, single submitter. Criteria: ACMG Guidelines, 2015. Collection method: clinical testing. Allele origin: germline. Affected: yes.

Color Diagnostics, LLC DBA Color Health
Classification: Uncertain significance for Hereditary cancer-predisposing syndrome. Last evaluated: 2023-07-24. Review status: criteria provided, single submitter. Criteria: ACMG Guidelines, 2015. Collection method: clinical testing. Allele origin: germline.
Comment: This missense variant replaces threonine with alanine at codon 1620 of the BRCA1 protein. Computational prediction is inconclusive regarding the impact of this variant on protein structure and function (internally defined REVEL score threshold 0.5 < inconclusive < 0.7, PMID: 27666373). To our knowledge, functional studies have not been reported for this variant. This variant has not been reported in individuals affected with BRCA1-related disorders in the literature. This variant has been identified in 2/251396 chromosomes in the general population by the Genome Aggregation Database (gnomAD). The available evidence is insufficient to determine the role of this variant in disease conclusively. Therefore, this variant is classified as a Variant of Uncertain Significance.

Women's Health and Genetics/Laboratory Corporation of America, LabCorp
Classification: Uncertain significance. Last evaluated: 2021-04-02. Review status: criteria provided, single submitter. Criteria: LabCorp Variant Classification Summary - May 2015. Collection method: clinical testing. Allele origin: germline.
Comment: Variant summary: BRCA1 c.4858A>G (p.Thr1620Ala) results in a non-conservative amino acid change in the encoded protein sequence. Four of five in-silico tools predict a benign effect of the variant on protein function. The variant allele was found at a frequency of 8e-06 in 251396 control chromosomes. The available data on variant occurrences in the general population are insufficient to allow any conclusion about variant significance. To our knowledge, no occurrence of c.4858A>G in individuals affected with Hereditary Breast And Ovarian Cancer Syndrome and no experimental evidence demonstrating its impact on protein function have been reported. Three clinical diagnostic laboratories have submitted clinical-significance assessments for this variant to ClinVar after 2014 without evidence for independent evaluation (VUS, n=2; Benign, n=1). Based on the evidence outlined above, the variant was classified as uncertain significance.

Quest Diagnostics Nichols Institute San Juan Capistrano
Classification: Uncertain significance. Last evaluated: 2020-10-02. Review status: criteria provided, single submitter. Criteria: Quest Diagnostics criteria. Collection method: clinical testing. Allele origin: unknown.

NM_007294.4(BRCA1):c.4858A>G (p.Thr1620Ala)

Gene: BRCA1 (BRCA1 DNA repair associated; minus strand). Cytogenetic location: 17q21.31.
Variant type: single nucleotide variant.
Coding change: c.4858A>G on transcript NM_007294.4 (MANE Select); coding-DNA position 4858, A replaced by G.
Protein change: p.Thr1620Ala; replaces threonine 1620 with alanine.
Molecular consequence: missense variant. On other transcripts: non-coding transcript variant (1).
Genome position (GRCh38, 1-based): chr17:43,071,056, T>C on the plus strand (A>G on the coding strand, the complement: BRCA1 is on the minus strand). VCF-style: chr17-43071056-T-C. GRCh37 (hg19) VCF-style: chr17-41223073-T-C.
Other names: c.4645A>G, p.Thr1549Ala (NM_001407896.1, NM_001407897.1, NM_001407904.1 and 12 more transcripts); c.1426A>G, p.Thr476Ala (NM_001408431.1, NM_001408425.1, NM_001408426.1 and 4 more transcripts); c.4849A>G, p.Thr1617Ala (NM_001407645.1, NM_001407644.1); c.4798A>G, p.Thr1600Ala (NM_001407649.1); c.4858A>G, p.Thr1620Ala (NM_001407652.1, NM_001407684.1, NM_001407854.1 and 8 more transcripts); c.1423A>G, p.Thr475Ala (NM_001408433.1, NM_001408435.1, NM_001408436.1 and 10 more transcripts); c.4846A>G, p.Thr1616Ala (NM_001407646.1); c.4843A>G, p.Thr1615Ala (NM_001407647.1); and 70 more; short protein forms T1620A, T1641A, T1573A, T516A, T1491A, T1508A, T1550A, T1553A.
Identifiers: ClinVar variation 141333 (VCV000141333.32), dbSNP rs8176219, ClinGen allele CA003055.